The following is an entry in ClinVar:

ClinVar aggregate classification (germline): Uncertain significance (1 of 4 stars; one submission).

Submission:

Labcorp Genetics (formerly Invitae), Labcorp
Classification: Uncertain significance. Last evaluated: 2024-06-10. Review status: criteria provided, single submitter. Criteria: Invitae Variant Classification Sherloc (09022015). Collection method: clinical testing. Allele origin: germline.
Comment: This sequence change creates a premature translational stop signal (p.Gln629*) in the CAMK2B gene. It is expected to result in an absent or disrupted protein product. However, the current clinical and genetic evidence is not sufficient to establish whether loss-of-function variants in CAMK2B cause disease. This variant is not present in population databases (gnomAD no frequency). This variant has not been reported in the literature in individuals affected with CAMK2B-related conditions. In summary, the available evidence is currently insufficient to determine the role of this variant in disease. Therefore, it has been classified as a Variant of Uncertain Significance.

NM_001220.5(CAMK2B):c.1885C>T (p.Gln629Ter)

Gene: CAMK2B (calcium/calmodulin dependent protein kinase II beta; minus strand). Cytogenetic location: 7p13.
Variant type: single nucleotide variant.
Coding change: c.1885C>T on transcript NM_001220.5 (MANE Select); coding-DNA position 1885, C replaced by T.
Protein change: p.Gln629Ter; replaces glutamine 629 with a stop codon.
Molecular consequence: nonsense.
Genome position (GRCh38, 1-based): chr7:44,220,178, G>A on the plus strand (C>T on the coding strand, the complement: CAMK2B is on the minus strand). VCF-style: chr7-44220178-G-A. GRCh37 (hg19) VCF-style: chr7-44259777-G-A.
Other names: c.1513C>T, p.Gln505Ter (NM_001293170.2, NM_172078.3); c.1441C>T, p.Gln481Ter (NM_172079.3); c.1438C>T, p.Gln480Ter (NM_172080.3); c.1396C>T, p.Gln466Ter (NM_172081.3); c.1363C>T, p.Gln455Ter (NM_172082.3); c.1324C>T, p.Gln442Ter (NM_172083.3); c.1234C>T, p.Gln412Ter (NM_172084.3); short protein forms Q455*, Q481*, Q629*, Q466*, Q412*, Q442*, Q480*, Q505*.
Identifiers: ClinVar variation 3656164 (VCV003656164.2).